The following is an entry in ClinVar:

NM_006494.4(ERF):c.1643C>T (p.Ser548Phe)

Gene: ERF (ETS2 repressor factor; minus strand). Cytogenetic location: 19q13.2.
Variant type: single nucleotide variant.
Coding change: c.1643C>T on transcript NM_006494.4 (MANE Select); coding-DNA position 1643, C replaced by T.
Protein change: p.Ser548Phe; replaces serine 548 with phenylalanine.
Molecular consequence: missense variant.
Genome position (GRCh38, 1-based): chr19:42,248,469, G>A on the plus strand (C>T on the coding strand, the complement: ERF is on the minus strand). VCF-style: chr19-42248469-G-A. GRCh37 (hg19) VCF-style: chr19-42752621-G-A.
Other names: c.1418C>T, p.Ser473Phe (NM_001301035.2, NM_001308402.2, NM_001312656.2); short protein forms S548F, S473F.
Identifiers: ClinVar variation 1810440 (VCV001810440.1), dbSNP rs2036369381, ClinGen allele CA406103312.

ClinVar aggregate classification (germline): Uncertain significance (1 of 4 stars; one submission).

Allele frequency attached by ClinVar (database versions not stated): gnomAD exomes below 0.00001; gnomAD 0.00001.
gnomAD v4.1: 2 of 1,499,144 alleles (0.00013%); highest among the groups gnomAD compares: South Asian, 0.0028%; no homozygotes.

Submission:

GeneDx
Classification: Uncertain significance. Last evaluated: 2022-07-07. Review status: criteria provided, single submitter. Criteria: GeneDx Variant Classification Process June 2021. Collection method: clinical testing. Allele origin: germline. Affected: yes.
Comment: Not observed at significant frequency in large population cohorts (gnomAD); In silico analysis supports that this missense variant does not alter protein structure/function; Has not been previously published as pathogenic or benign to our knowledge